The following is an entry in ClinVar:

NM_000404.4(GLB1):c.837A>C (p.Gln279His)

Gene: GLB1 (galactosidase beta 1; minus strand). Cytogenetic location: 3p22.3.
Variant type: single nucleotide variant.
Coding change: c.837A>C on transcript NM_000404.4 (MANE Select); coding-DNA position 837, A replaced by C.
Protein change: p.Gln279His; replaces glutamine 279 with histidine.
Molecular consequence: missense variant.
Genome position (GRCh38, 1-based): chr3:33,051,960, T>G on the plus strand (A>C on the coding strand, the complement: GLB1 is on the minus strand). VCF-style: chr3-33051960-T-G. GRCh37 (hg19) VCF-style: chr3-33093452-T-G.
Other names: c.747A>C, p.Gln249His (NM_001079811.3); c.444A>C, p.Gln148His (NM_001135602.3); c.981A>C, p.Gln327His (NM_001317040.2); c.837A>C, p.Gln279His (NM_001393580.1); short protein forms Q279H, Q327H, Q148H, Q249H.
Identifiers: ClinVar variation 2001182 (VCV002001182.4), dbSNP rs1461790939, ClinGen allele CA352001514.

ClinVar aggregate classification (germline): Uncertain significance (1 of 4 stars; one submission).

Conditions:
GM1 gangliosidosis. Identifiers: Orphanet 354, MedGen C0085131, MONDO:0018149.
Mucopolysaccharidosis, MPS-IV-B (MPS4B). Also called: MORQUIO SYNDROME B; Mucopolysaccharidosis Type IVB (Morquio B Disease); Mucopolysaccharidosis type IV B; Mucopolysaccharidosis Type IVB; Mucopolysaccharidosis type 4B; Mucopolysaccharidosis type IVB (Morquio). Identifiers: Orphanet 309310, Orphanet 582, MedGen C0086652, MONDO:0009660, OMIM 253010.

Submission:

Labcorp Genetics (formerly Invitae), Labcorp
Classification: Uncertain significance for Mucopolysaccharidosis, MPS-IV-B; GM1 gangliosidosis. Last evaluated: 2022-05-30. Review status: criteria provided, single submitter. Criteria: Invitae Variant Classification Sherloc (09022015). Collection method: clinical testing. Allele origin: germline.
Comment: Advanced modeling of protein sequence and biophysical properties (such as structural, functional, and spatial information, amino acid conservation, physicochemical variation, residue mobility, and thermodynamic stability) performed at Invitae indicates that this missense variant is not expected to disrupt GLB1 protein function. This variant has not been reported in the literature in individuals affected with GLB1-related conditions. This variant is not present in population databases (gnomAD no frequency). This sequence change replaces glutamine, which is neutral and polar, with histidine, which is basic and polar, at codon 279 of the GLB1 protein (p.Gln279His). In summary, the available evidence is currently insufficient to determine the role of this variant in disease. Therefore, it has been classified as a Variant of Uncertain Significance.